The following is an entry in ClinVar:

NM_024408.4(NOTCH2):c.4967A>G (p.Gln1656Arg)

Gene: NOTCH2 (notch receptor 2; minus strand). Cytogenetic location: 1p12.
Variant type: single nucleotide variant.
Coding change: c.4967A>G on transcript NM_024408.4 (MANE Select); coding-DNA position 4967, A replaced by G.
Protein change: p.Gln1656Arg; replaces glutamine 1656 with arginine.
Molecular consequence: missense variant.
Genome position (GRCh38, 1-based): chr1:119,922,671, T>C on the plus strand (A>G on the coding strand, the complement: NOTCH2 is on the minus strand). VCF-style: chr1-119922671-T-C. GRCh37 (hg19) VCF-style: chr1-120465294-T-C.
Other names: short protein forms Q1656R.
Identifiers: ClinVar variation 3061726 (VCV003061726.3), dbSNP rs750700941, ClinGen allele CA1039763.

ClinVar aggregate classification (germline): Likely benign. Review status: criteria provided, single submitter (1 of 4 stars). 2 submissions from 2 submitters: Likely benign (1). 1 of the submissions does not count toward it. Last evaluated 2025-05-27.

Conditions:
NOTCH2-related disorder. Also called: NOTCH2-related condition.
Hajdu-Cheney syndrome (HJCYS). Also called: SERPENTINE FIBULA-POLYCYSTIC KIDNEY SYNDROME; ACROOSTEOLYSIS WITH OSTEOPOROSIS AND CHANGES IN SKULL AND MANDIBLE; Acroosteolysis dominant type. Identifiers: Orphanet 955, MedGen C0917715, MONDO:0007057, OMIM 102500.

Allele frequency attached by ClinVar (database versions not stated): gnomAD 0.00001; gnomAD exomes 0.00003; ExAC 0.00007.
gnomAD v4.1: 51 of 1,614,120 alleles (0.0032%); highest among the groups gnomAD compares: South Asian, 0.047%; no homozygotes.

Submissions (2):

Labcorp Genetics (formerly Invitae), Labcorp
Classification: Likely benign for Hajdu-Cheney syndrome. Last evaluated: 2025-05-27. Review status: criteria provided, single submitter. Criteria: Invitae Variant Classification Sherloc (09022015). Collection method: clinical testing. Allele origin: germline.

PreventionGenetics, part of Exact Sciences
Classification: Uncertain significance for NOTCH2-related condition. Last evaluated: 2024-01-10. Review status: no assertion criteria provided. Collection method: clinical testing. Allele origin: germline. Not counted in ClinVar's aggregate classification.
Comment: The NOTCH2 c.4967A>G variant is predicted to result in the amino acid substitution p.Gln1656Arg. This variant was reported in an individual with Alagille syndrome (Gilbert et al. 2019. PubMed ID: 31343788). This variant is reported in 0.052% of alleles in individuals of South Asian descent in gnomAD. At this time, the clinical significance of this variant is uncertain due to the absence of conclusive functional and genetic evidence.